The following is an entry in ClinVar:

ClinVar aggregate classification (germline): Uncertain significance. Review status: criteria provided, multiple submitters, no conflicts (2 of 4 stars). 2 submissions from 2 submitters: Uncertain significance (2). Last evaluated 2025-12-15.

Conditions:
Primary failure of tooth eruption. Also called: DENTAL NONERUPTION; PRIMARY RETENTION OF TEETH; UNERUPTED SECOND PRIMARY MOLAR; POSTERIOR OPENBITE MALOCCLUSION, FAMILIAL. Identifiers: Orphanet 412206, MedGen C1852222, MONDO:0007434, OMIM 125350.
Chondrodysplasia Blomstrand type (BOCD). Identifiers: Orphanet 50945, MedGen C1859148, MONDO:0008970, OMIM 215045.
Eiken syndrome (EKNS). Also called: BONE MODELING DEFECT OF HANDS AND FEET. Identifiers: Orphanet 79106, MedGen C1838779, MONDO:0010803, OMIM 600002.
Metaphyseal chondrodysplasia, Jansen type. Also called: PTH1R-Related Jansen Metaphyseal Chondrodysplasia; Metaphyseal chondrodysplasia Murk Jansen type. Identifiers: Orphanet 33067, MedGen C0265295, MONDO:0007982, OMIM 156400.

Allele frequency attached by ClinVar (database versions not stated): 1000 Genomes Project 0.00020; TOPMed 0.00034; gnomAD exomes 0.00003 and 0.00007; ExAC 0.00004; gnomAD 0.00013; 1000 Genomes Project 30x 0.00016.
gnomAD v4.1: 69 of 1,613,982 alleles (0.0043%); highest among the groups gnomAD compares: Admixed American, 0.043%; no homozygotes.

Submissions (2):

Labcorp Genetics (formerly Invitae), Labcorp
Classification: Uncertain significance. Last evaluated: 2025-12-15. Review status: criteria provided, single submitter. Criteria: Invitae Variant Classification Sherloc (09022015). Collection method: clinical testing. Allele origin: germline.
Comment: This sequence change replaces proline, which is neutral and non-polar, with serine, which is neutral and polar, at codon 558 of the PTH1R protein (p.Pro558Ser). This variant is present in population databases (rs201625204, gnomAD 0.04%). This variant has not been reported in the literature in individuals affected with PTH1R-related conditions. ClinVar contains an entry for this variant (Variation ID: 1015750). An algorithm developed to predict the effect of missense changes on protein structure and function outputs the following: PolyPhen-2: "Benign". The serine amino acid residue is found in multiple mammalian species, which suggests that this missense change does not adversely affect protein function. In summary, the available evidence is currently insufficient to determine the role of this variant in disease. Therefore, it has been classified as a Variant of Uncertain Significance.

Fulgent Genetics
Classification: Uncertain significance for Primary failure of tooth eruption; Metaphyseal chondrodysplasia, Jansen type; Chondrodysplasia Blomstrand type; Eiken syndrome. Last evaluated: 2023-12-22. Review status: criteria provided, single submitter. Criteria: ACMG Guidelines, 2015. Collection method: clinical testing. Allele origin: germline.

NM_000316.3(PTH1R):c.1672C>T (p.Pro558Ser)

Gene: PTH1R (parathyroid hormone 1 receptor; plus strand). Cytogenetic location: 3p21.31.
Variant type: single nucleotide variant.
Coding change: c.1672C>T on transcript NM_000316.3 (MANE Select); coding-DNA position 1672, C replaced by T.
Protein change: p.Pro558Ser; replaces proline 558 with serine.
Molecular consequence: missense variant.
Genome position (GRCh38, 1-based): chr3:46,903,546, C>T. VCF-style: chr3-46903546-C-T. GRCh37 (hg19) VCF-style: chr3-46945036-C-T.
Other names: c.1672C>T, p.Pro558Ser (NM_001184744.1); short protein forms P558S.
Identifiers: ClinVar variation 1015750 (VCV001015750.7), dbSNP rs201625204, ClinGen allele CA2359600.